The following is an entry in ClinVar:

NM_014444.5(TUBGCP4):c.272C>T (p.Thr91Ile)

Gene: TUBGCP4 (tubulin gamma complex component 4; plus strand). Cytogenetic location: 15q15.3.
Variant type: single nucleotide variant.
Coding change: c.272C>T on transcript NM_014444.5 (MANE Select); coding-DNA position 272, C replaced by T.
Protein change: p.Thr91Ile; replaces threonine 91 with isoleucine.
Molecular consequence: missense variant.
Genome position (GRCh38, 1-based): chr15:43,376,567, C>T. VCF-style: chr15-43376567-C-T. GRCh37 (hg19) VCF-style: chr15-43668765-C-T.
Other names: c.272C>T, p.Thr91Ile (NM_001286414.3); short protein forms T91I.
Identifiers: ClinVar variation 1469464 (VCV001469464.6), dbSNP rs762539389, ClinGen allele CA7523711.
Genomic context (GRCh38, chr15:43,376,567, plus strand): 5'-ACCATCCATCTCAACAGGGCCAAGGTGGGTTACATGGAATCTACCTGCGGGCCTTCTGCA[C>T]AGGGCTGGATTCTGTTTTGCAGCCTTATCGCCAAGCACTGCTTGATTTGGAACAAGAGGT-3'
Protein context (NP_055259.2, residues 81-101): LHGIYLRAFC[Thr91Ile]GLDSVLQPYR

ClinVar aggregate classification (germline): Uncertain significance (1 of 4 stars; one submission).

Allele frequency attached by ClinVar (database versions not stated): gnomAD exomes below 0.00001 and 0.00001; ExAC 0.00001.

Submission:

Labcorp Genetics (formerly Invitae), Labcorp
Classification: Uncertain significance. Last evaluated: 2022-06-27. Review status: criteria provided, single submitter. Criteria: Invitae Variant Classification Sherloc (09022015). Collection method: clinical testing. Allele origin: germline.
Comment: In summary, the available evidence is currently insufficient to determine the role of this variant in disease. Therefore, it has been classified as a Variant of Uncertain Significance. Algorithms developed to predict the effect of missense changes on protein structure and function (SIFT, PolyPhen-2, Align-GVGD) all suggest that this variant is likely to be tolerated. This variant has not been reported in the literature in individuals affected with TUBGCP4-related conditions. This variant is present in population databases (rs762539389, gnomAD 0.0009%). This sequence change replaces threonine, which is neutral and polar, with isoleucine, which is neutral and non-polar, at codon 91 of the TUBGCP4 protein (p.Thr91Ile).